The following is an entry in ClinVar:

NM_033305.3(VPS13A):c.135_139del (p.Glu45fs)

Gene: VPS13A (vacuolar protein sorting 13 homolog A; plus strand). Cytogenetic location: 9q21.2.
Variant type: Deletion.
Coding change: c.135_139del on transcript NM_033305.3 (MANE Select); coding-DNA positions 135 to 139, 5 bases deleted (AAATG; older notation c.135_139delAAATG).
Protein change: p.Glu45fs; shifts the reading frame from glutamic acid 45.
Molecular consequence: frameshift variant.
Genome position (GRCh38, 1-based): chr9:77,199,979-77,199,983, AAATG deleted. VCF-style (leftmost placement, unchanged base first): chr9-77199978-AAAATG-A. GRCh37 (hg19) VCF-style: chr9-79814894-AAAATG-A.
Other names: c.135_139del, p.Glu45fs (NM_001018037.2, NM_001018038.3, NM_015186.4); short protein forms E45fs.
Identifiers: ClinVar variation 1996013 (VCV001996013.4), dbSNP rs2537516964, ClinGen allele CA2580080574.

ClinVar aggregate classification (germline): Pathogenic (1 of 4 stars; one submission).

Submission:

Labcorp Genetics (formerly Invitae), Labcorp
Classification: Pathogenic. Last evaluated: 2022-05-18. Review status: criteria provided, single submitter. Criteria: Invitae Variant Classification Sherloc (09022015). Collection method: clinical testing. Allele origin: germline.
Comment: This sequence change creates a premature translational stop signal (p.Glu45Aspfs*10) in the VPS13A gene. It is expected to result in an absent or disrupted protein product. Loss-of-function variants in VPS13A are known to be pathogenic (PMID: 12404112, 21598378). For these reasons, this variant has been classified as Pathogenic. This variant has not been reported in the literature in individuals affected with VPS13A-related conditions. This variant is not present in population databases (gnomAD no frequency).

Literature cited by the submitters: PubMed 12404112; PubMed 21598378.